The following is an entry in ClinVar:

ClinVar aggregate classification (germline): Benign (1 of 4 stars; one submission).

Conditions:
Leigh syndrome (NULS). Also called: Leigh's necrotizing encephalopathy; Leigh's disease; Leigh Syndrome (mtDNA deletion); Leigh Disease; Subacute necrotizing encephalopathy; Necrotizing encephalopathy infantile subacute of Leigh. Identifiers: Orphanet 506, MedGen C2931891, MONDO:0009723, OMIM 256000.

Submission:

Wong Mito Lab, Molecular and Human Genetics, Baylor College of Medicine
Classification: Benign for Leigh syndrome. Last evaluated: 2019-10-17. Review status: criteria provided, single submitter. Criteria: Modified ACMG Guidelines (Unpublished). Collection method: clinical testing. Allele origin: germline.
Comment: The NC_012920.1:m.3350T>C (YP_003024026.1:p.Ile15Thr) variant in MTND1 gene is interpretated to be a Benign variant based on the modified ACMG guidelines (unpublished). This variant meets the following evidence codes: BS1, BS4

NC_012920.1(MT-ND1):m.3350T>C

Gene: MT-ND1 (mitochondrially encoded NADH dehydrogenase 1; plus strand).
Variant type: single nucleotide variant.
Genome position: chrM-3350-T-C.
Identifiers: ClinVar variation 692342 (VCV000692342.1), dbSNP rs1603218915, ClinGen allele CA414772593.
Genomic context (GRCh38, chrMT:3,350, plus strand): 5'-TTCCTCTTCTTAACAACATACCCATGGCCAACCTCCTACTCCTCATTGTACCCATTCTAA[T>C]CGCAATGGCATTCCTAATGCTTACCGAACGAAAAATTCTAGGCTATATACAACTACGCAA-3'